The following continues an entry in ClinVar:

NM_007294.4(BRCA1):c.3748G>A (p.Glu1250Lys)

ClinVar aggregate classification (germline): Benign. Benign (1).

Submissions 21 to 36 of 36:

Laboratory for Molecular Medicine, Mass General Brigham Personalized Medicine
Classification: Uncertain significance. Last evaluated: 2016-03-29. Review status: criteria provided, single submitter. Criteria: LMM Criteria. Collection method: clinical testing. Allele origin: germline. Not counted in ClinVar's aggregate classification.
Comment: Variant identified in a genome or exome case(s) and assessed due to predicted null impact of the variant or pathogenic assertions in the literature or databases. Disclaimer: This variant has not undergone full assessment. The following are preliminary notes: ExAC: 30/66732 European; ClinVar: 6 B/LB

Women's Health and Genetics/Laboratory Corporation of America, LabCorp
Classification: Benign for Hereditary breast ovarian cancer syndrome. Last evaluated: 2015-10-26. Review status: criteria provided, single submitter. Criteria: LabCorp Variant Classification Summary - May 2015. Collection method: clinical testing. Allele origin: germline. Not counted in ClinVar's aggregate classification.
Comment: Variant Summary: c.3748G>A is a missense mutation that occurs at a non-conserved position, resulting in a change from medium size and acidic (E) to large size and basic (K) residue, and 3/4 in silico tools predict a benign outcome (SNPs&Go not captured here due to low reliability index). A heatmap of the unsupervised cluster analysis of several assays carried out by Loke et al 2015, showed that this missense variant clusters with WT BRCA1, Bouwman et al 2013 showed that the E1250K mutant protein behaves similarly to WT in a cisplatin (anticancer drug) sensitivity assay, and other studies have shown that it does not alter splicing and the protein is expressed at normal levels (Anczukow et al 2008). Lindor_2012 and Pavlicek_2004 predict that the variant is neutral based on in silico prediction models.The observed allele frequency in controls is 39/127500 (1/3269; 0.03%), which is lower than the maximal expected allele frequency of 1/1000 for a pathogenic BRCA1 variant. However, UMD cites a pathogenic BRCA2 co-occurrence in 1 individual, and BIC cites the variant to co-occur with pathogenic BRCA1 co-occurrences in 2 individuals (p.Tyr1563Ter and p.Trp1508Ter; also cited in Tavtigian et al 2006) and a BRCA2 pathogenic co-occurrence (p.Lys936_Gln937?fs) in 1 individual. Further more, in one HBOC family, the variant of interest did not co-segregate with disease (Jara_BRCA1_Biol Res_2004). These numerous pathogenic co-occurrences and lack of co-segregation with disease are a strong indication of a benign outcome for this missense BRCA1 variant. Additionally, numerous reputable databases and clinical diagnostic labs have classified this variant as benign. Taken together, this missense BRCA1 mutation is a normal variant and has been classified as benign.

Color Diagnostics, LLC DBA Color Health
Classification: Likely benign for Hereditary cancer-predisposing syndrome. Last evaluated: 2014-12-13. Review status: criteria provided, single submitter. Criteria: ACMG Guidelines, 2015. Collection method: clinical testing. Allele origin: germline. Not counted in ClinVar's aggregate classification.

Ambry Genetics
Classification: Benign for Hereditary cancer-predisposing syndrome. Last evaluated: 2014-11-18. Review status: criteria provided, single submitter. Criteria: Ambry Variant Classification Scheme 2023. Collection method: clinical testing. Allele origin: germline. Not counted in ClinVar's aggregate classification.

GeneDx
Classification: Benign. Last evaluated: 2014-01-23. Review status: criteria provided, single submitter. Criteria: GeneDx Variant Classification (06012015). Collection method: clinical testing. Allele origin: germline. Affected: yes. Not counted in ClinVar's aggregate classification.
Comment: This variant is considered likely benign or benign based on one or more of the following criteria: it is a conservative change, it occurs at a poorly conserved position in the protein, it is predicted to be benign by multiple in silico algorithms, and/or has population frequency not consistent with disease.

BRCAlab, Lund University
Classification: Benign for Breast-ovarian cancer, familial, susceptibility to, 1. Last evaluated: 2020-03-02. Review status: no assertion criteria provided. Collection method: clinical testing. Allele origin: germline. Affected: yes. Not counted in ClinVar's aggregate classification.

Counsyl
Classification: Benign for Breast-ovarian cancer, familial 1. Last evaluated: 2015-02-06. Review status: no assertion criteria provided. Collection method: literature only. Allele origin: unknown. Inheritance: Autosomal dominant inheritance. Not counted in ClinVar's aggregate classification.

CSER _CC_NCGL, University of Washington
Classification: Likely benign for Breast cancer. Last evaluated: 2014-06-01. Review status: no assertion criteria provided. Collection method: research. Allele origin: germline. Inheritance: Autosomal dominant inheritance. Study: ESP 6500 variant annotation. Not counted in ClinVar's aggregate classification.
Comment: Variants classified for the Actionable exomic incidental findings in 6503 participants: challenges of variant classification manuscript

Foulkes Cancer Genetics LDI, Lady Davis Institute for Medical Research
Classification: Benign for Breast and/or ovarian cancer. Last evaluated: 2013-11-07. Review status: no assertion criteria provided. Collection method: clinical testing. Allele origin: germline. Study: The Canadian Open Genetics Repository (COGR). Not counted in ClinVar's aggregate classification.

ITMI
No classification provided. Condition: AllHighlyPenetrant. Last evaluated: 2013-09-19. Review status: no classification provided. Collection method: reference population. Allele origin: germline. Not counted in ClinVar's aggregate classification.
Comment: Please see associated publication for description of ethnicities

Breast Cancer Information Core (BIC) (BRCA1)
Classification: Benign for Breast-ovarian cancer, familial 1. Last evaluated: 2002-05-29. Review status: no assertion criteria provided. Collection method: clinical testing. Allele origin: germline. Affected: yes. Observed: 20 variant alleles. Not counted in ClinVar's aggregate classification.

Clinical Genetics Laboratory, Department of Pathology, Netherlands Cancer Institute
Classification: Benign. Review status: no assertion criteria provided. Collection method: clinical testing. Allele origin: germline. Affected: yes. Study: VKGL Data-share Consensus. Not counted in ClinVar's aggregate classification.

Department of Pathology and Laboratory Medicine, Sinai Health System
Classification: Benign for Malignant tumor of breast. Review status: no assertion criteria provided. Collection method: clinical testing. Allele origin: unknown. Affected: yes. Study: The Canadian Open Genetics Repository (COGR). Not counted in ClinVar's aggregate classification.
Comment: The BRCA1 p.Glu1250Lys variant was identified in at least 6 of 111702 proband chromosomes (frequency: 0.0001) from individuals or families with breast or ovarian cancer and was present in 2 of 2508 control chromosomes (frequency: 0.001) from healthy individuals (Diez 2003, Grudinina 2005, Jara 2004, Judkins 2005, Osorio 2007, Salazar 2006). The variant was also identified in dbSNP (ID: rs28897686) â€šÃ„ÃºWith pathogenic alleleâ€šÃ„Ã¹, HGMD, LOVD, the BIC database (20X with no clinical importance), and UMD (14X as a neutral variant). In UMD, one sample found the variant co-occurring with a pathogenic mutation in BRCA2 (c.368_372delAAATG (p.Lys123ArgfsX5)), increasing the likelihood that the p.Glu1250Lys variant may not have clinical importance. The p.Glu1250 residue is not conserved in mammals and lower organisms, and computational analyses (PolyPhen-2, SIFT, AlignGVGD, BLOSUM) provide inconsistent predictions regarding the impact of the p.Glu1250Lys variant to the protein; this information is not very predictive of pathogenicity. The variant was listed in the NHLBI Exome Sequencing Project in 4 of 130006 alleles (frequency: 0.0003), increasing the likelihood that this may represent a low frequency benign variant. One study identified the variant co-occurring in trans with two different deleterious BRCA1 mutations, increasing the likelihood that the variant does not have clinical significance (Judkins 2005). In addition, one functional study and three in silico studies all found the variant to be neutral (Bouwman 2013, Abkevich 2004 15235020, Lindor 2012, Tavtigian 2006). In summary, based on the above information, this variant meets our laboratory's criteria to be classified as benign.

Diagnostic Laboratory, Department of Genetics, University Medical Center Groningen
Classification: Benign for Breast-ovarian cancer, familial, susceptibility to, 1. Review status: no assertion criteria provided. Collection method: clinical testing. Allele origin: germline. Affected: yes. Study: VKGL Data-share Consensus. Not counted in ClinVar's aggregate classification.

Joint Genome Diagnostic Labs from Nijmegen and Maastricht, Radboudumc and MUMC+
Classification: Benign. Review status: no assertion criteria provided. Collection method: clinical testing. Allele origin: germline. Affected: yes. Study: VKGL Data-share Consensus. Not counted in ClinVar's aggregate classification.

Laboratory of Diagnostic Genome Analysis, Leiden University Medical Center (LUMC)
Classification: Benign. Review status: no assertion criteria provided. Collection method: clinical testing. Allele origin: germline. Affected: yes. Study: VKGL Data-share Consensus. Not counted in ClinVar's aggregate classification.

Literature cited by the submitters: PubMed 21990134 (cited by 3 submitters); PubMed 33087888 (cited by Mayo Clinic Laboratories, Mayo Clinic); PubMed 36243179 (cited by Mayo Clinic Laboratories, Mayo Clinic); DOI 10.3389/fgene.2022.834265 (cited by National Health Laboratory Service, Universitas Academic Hospital and University of the Free State); PubMed 15876480 (cited by 3 submitters); PubMed 16267036 (cited by 3 submitters); PubMed 16014699 (cited by 3 submitters); PubMed 15385441 (cited by Women's Health and Genetics/Laboratory Corporation of America, LabCorp); PubMed 23867111 (cited by Women's Health and Genetics/Laboratory Corporation of America, LabCorp and Counsyl); PubMed 9150149 (cited by Women's Health and Genetics/Laboratory Corporation of America, LabCorp and Counsyl); PubMed 12955716 (cited by Women's Health and Genetics/Laboratory Corporation of America, LabCorp and Counsyl); PubMed 17262179 (cited by Women's Health and Genetics/Laboratory Corporation of America, LabCorp); PubMed 22516946 (cited by Women's Health and Genetics/Laboratory Corporation of America, LabCorp); PubMed 23555315 (cited by Women's Health and Genetics/Laboratory Corporation of America, LabCorp); PubMed 24728327 (cited by 3 submitters); PubMed 15865297 (cited by Women's Health and Genetics/Laboratory Corporation of America, LabCorp); PubMed 24504028 (cited by Women's Health and Genetics/Laboratory Corporation of America, LabCorp); PubMed 18273839 (cited by Women's Health and Genetics/Laboratory Corporation of America, LabCorp); PubMed 17279547 (cited by Women's Health and Genetics/Laboratory Corporation of America, LabCorp and Counsyl); PubMed 20859677 (cited by Women's Health and Genetics/Laboratory Corporation of America, LabCorp); PubMed 22875147 (cited by Women's Health and Genetics/Laboratory Corporation of America, LabCorp); PubMed 25652403 (cited by Women's Health and Genetics/Laboratory Corporation of America, LabCorp); PubMed 15515971 (cited by Women's Health and Genetics/Laboratory Corporation of America, LabCorp and Counsyl); PubMed 24055113 (cited by Counsyl); PubMed 15235020 (cited by Counsyl).